The following is an entry in ClinVar:

NM_004239.4(TRIP11):c.5163A>T (p.Glu1721Asp)

Gene: TRIP11 (thyroid hormone receptor interactor 11; minus strand). Cytogenetic location: 14q32.12.
Variant type: single nucleotide variant.
Coding change: c.5163A>T on transcript NM_004239.4 (MANE Select); coding-DNA position 5163, A replaced by T.
Protein change: p.Glu1721Asp; replaces glutamic acid 1721 with aspartic acid.
Molecular consequence: missense variant.
Genome position (GRCh38, 1-based): chr14:91,988,381, T>A on the plus strand (A>T on the coding strand, the complement: TRIP11 is on the minus strand). VCF-style: chr14-91988381-T-A. GRCh37 (hg19) VCF-style: chr14-92454725-T-A.
Other names: c.5160A>T, p.Glu1720Asp (NM_001321851.1); short protein forms E1720D, E1721D.
Identifiers: ClinVar variation 3369683 (VCV003369683.1).
Genomic context (GRCh38, chr14:91,988,381, plus strand): 5'-ATCTAACTGTTCTGTAAGTCTTGATGCTGAATCCAATGCAGCATTTGCTTCATCCAAACA[T>A]TCCTGAGAAAGAAAACTTTATTAAAAAAAAGTATGCAAAAATTATTTCACAAACTATAAG-3'
Protein context (NP_004230.2, residues 1711-1731): NLEGKVISLQ[Glu1721Asp]CLDEANAALD

ClinVar aggregate classification (germline): Uncertain significance (1 of 4 stars; one submission).

gnomAD v4.1: 17 of 1,613,216 alleles (0.0011%); highest among the groups gnomAD compares: Non-Finnish European, 0.0014%; no homozygotes.

Submission:

GeneDx
Classification: Uncertain significance. Last evaluated: 2024-02-26. Review status: criteria provided, single submitter. Criteria: GeneDx Variant Classification Process June 2021. Collection method: clinical testing. Allele origin: germline. Affected: yes.
Comment: Not observed at significant frequency in large population cohorts (gnomAD); In silico analysis supports that this missense variant does not alter protein structure/function; Has not been previously published as pathogenic or benign to our knowledge